The following is an entry in ClinVar:

NM_033305.3(VPS13A):c.2923G>A (p.Asp975Asn)

Gene: VPS13A (vacuolar protein sorting 13 homolog A; plus strand). Cytogenetic location: 9q21.2.
Variant type: single nucleotide variant.
Coding change: c.2923G>A on transcript NM_033305.3 (MANE Select); coding-DNA position 2923, G replaced by A.
Protein change: p.Asp975Asn; replaces aspartic acid 975 with asparagine.
Molecular consequence: missense variant.
Genome position (GRCh38, 1-based): chr9:77,281,885, G>A. VCF-style: chr9-77281885-G-A. GRCh37 (hg19) VCF-style: chr9-79896801-G-A.
Other names: c.2923G>A, p.Asp975Asn (NM_001018037.2, NM_001018038.3, NM_015186.4); short protein forms D975N.
Identifiers: ClinVar variation 1932228 (VCV001932228.5), dbSNP rs768524679, ClinGen allele CA5092096.

ClinVar aggregate classification (germline): Uncertain significance (1 of 4 stars; one submission).

Allele frequency attached by ClinVar (database versions not stated): ExAC 0.00002.
gnomAD v4.1: 3 of 1,604,038 alleles (0.00019%); highest among the groups gnomAD compares: Admixed American, 0.0017%; no homozygotes.

Submission:

Labcorp Genetics (formerly Invitae), Labcorp
Classification: Uncertain significance. Last evaluated: 2023-08-17. Review status: criteria provided, single submitter. Criteria: Invitae Variant Classification Sherloc (09022015). Collection method: clinical testing. Allele origin: germline.
Comment: This sequence change replaces aspartic acid, which is acidic and polar, with asparagine, which is neutral and polar, at codon 975 of the VPS13A protein (p.Asp975Asn). The frequency data for this variant in the population databases is considered unreliable, as metrics indicate poor data quality at this position in the gnomAD database. This variant has not been reported in the literature in individuals affected with VPS13A-related conditions. ClinVar contains an entry for this variant (Variation ID: 1932228). Algorithms developed to predict the effect of missense changes on protein structure and function output the following: SIFT: "Not Available"; PolyPhen-2: "Benign"; Align-GVGD: "Not Available". The asparagine amino acid residue is found in multiple mammalian species, which suggests that this missense change does not adversely affect protein function. In summary, the available evidence is currently insufficient to determine the role of this variant in disease. Therefore, it has been classified as a Variant of Uncertain Significance.